The following is an entry in ClinVar:

NM_001211.6(BUB1B):c.842A>G (p.Glu281Gly)

Gene: BUB1B (BUB1 mitotic checkpoint serine/threonine kinase B; plus strand). Cytogenetic location: 15q15.1.
Variant type: single nucleotide variant.
Coding change: c.842A>G on transcript NM_001211.6 (MANE Select); coding-DNA position 842, A replaced by G.
Protein change: p.Glu281Gly; replaces glutamic acid 281 with glycine.
Molecular consequence: missense variant.
Genome position (GRCh38, 1-based): chr15:40,185,255, A>G. VCF-style: chr15-40185255-A-G. GRCh37 (hg19) VCF-style: chr15-40477456-A-G.
Other names: short protein forms E281G.
Identifiers: ClinVar variation 3483203 (VCV003483203.1).

ClinVar aggregate classification (germline): Uncertain significance (1 of 4 stars; one submission).

Conditions:
Inborn genetic diseases. Identifiers: MedGen C0950123, MeSH D030342.

Submission:

Ambry Genetics
Classification: Uncertain significance for Inborn genetic diseases. Last evaluated: 2024-09-24. Review status: criteria provided, single submitter. Criteria: Ambry Variant Classification Scheme 2023. Collection method: clinical testing. Allele origin: germline.
Comment: The p.E281G variant (also known as c.842A>G), located in coding exon 7 of the BUB1B gene, results from an A to G substitution at nucleotide position 842. The glutamic acid at codon 281 is replaced by glycine, an amino acid with similar properties. This amino acid position is conserved. In addition, this alteration is predicted to be tolerated by in silico analysis. Based on the available evidence, the clinical significance of this variant remains unclear.